The following is an entry in ClinVar:

ClinVar aggregate classification (germline): Uncertain significance (1 of 4 stars; one submission).

Conditions:
Joubert syndrome. Also called: JOUBERT-BOLTSHAUSER SYNDROME; Familial aplasia of the vermis. Identifiers: Orphanet 475, MedGen C5979921, MONDO:0018772.
Meckel-Gruber syndrome. Also called: DYSENCEPHALIA SPLANCHNOCYSTICA; GRUBER SYNDROME; Dysencephalia splachnocystica. Identifiers: Orphanet 564, MedGen C0265215, MONDO:0018921.

Allele frequency attached by ClinVar (database versions not stated): gnomAD exomes below 0.00001.
gnomAD v4.1: 1 of 1,551,238 alleles (0.000064%); highest among the groups gnomAD compares: Admixed American, 0.002%; no homozygotes.

Submission:

Labcorp Genetics (formerly Invitae), Labcorp
Classification: Uncertain significance for Joubert syndrome; Meckel-Gruber syndrome. Last evaluated: 2024-02-23. Review status: criteria provided, single submitter. Criteria: Invitae Variant Classification Sherloc (09022015). Collection method: clinical testing. Allele origin: germline.
Comment: This sequence change replaces isoleucine, which is neutral and non-polar, with methionine, which is neutral and non-polar, at codon 717 of the CC2D2A protein (p.Ile717Met). This variant is not present in population databases (gnomAD no frequency). This variant has not been reported in the literature in individuals affected with CC2D2A-related conditions. ClinVar contains an entry for this variant (Variation ID: 2084054). Advanced modeling of protein sequence and biophysical properties (such as structural, functional, and spatial information, amino acid conservation, physicochemical variation, residue mobility, and thermodynamic stability) has been performed at Invitae for this missense variant, however the output from this modeling did not meet the statistical confidence thresholds required to predict the impact of this variant on CC2D2A protein function. In summary, the available evidence is currently insufficient to determine the role of this variant in disease. Therefore, it has been classified as a Variant of Uncertain Significance.

NM_001378615.1(CC2D2A):c.2151A>G (p.Ile717Met)

Genes: CC2D2A (coiled-coil and C2 domain containing 2A; plus strand), FBXL5 (F-box and leucine rich repeat protein 5; minus strand). Cytogenetic location: 4p15.32.
Variant type: single nucleotide variant.
Coding change: c.2151A>G on transcript NM_001378615.1 (MANE Select); coding-DNA position 2151, A replaced by G.
Protein change: p.Ile717Met; replaces isoleucine 717 with methionine.
Molecular consequence: missense variant.
Genome position (GRCh38, 1-based): chr4:15,540,984, A>G. VCF-style: chr4-15540984-A-G. GRCh37 (hg19) VCF-style: chr4-15542607-A-G.
Other names: c.2151A>G, p.Ile717Met (NM_001080522.2); c.2004A>G, p.Ile668Met (NM_001378617.1); short protein forms I668M, I717M.
Identifiers: ClinVar variation 2084054 (VCV002084054.4), dbSNP rs2474988551, ClinGen allele CA356414057.